The following is an entry in ClinVar:

NM_022114.4(PRDM16):c.3394G>T (p.Asp1132Tyr)

Gene: PRDM16 (PR/SET domain 16; plus strand). Cytogenetic location: 1p36.32.
Variant type: single nucleotide variant.
Coding change: c.3394G>T on transcript NM_022114.4 (MANE Select); coding-DNA position 3394, G replaced by T.
Protein change: p.Asp1132Tyr; replaces aspartic acid 1132 with tyrosine.
Molecular consequence: missense variant.
Genome position (GRCh38, 1-based): chr1:3,430,981, G>T. VCF-style: chr1-3430981-G-T. GRCh37 (hg19) VCF-style: chr1-3347545-G-T.
Other names: c.3394G>T, p.Asp1132Tyr (NM_199454.3); short protein forms D1132Y.
Identifiers: ClinVar variation 4780956 (VCV004780956.1).
Genomic context (GRCh38, chr1:3,430,981, plus strand): 5'-AGTGAGAAGCAGGAGGACGTGGAGGAGGAGGACGACGATGACCTGGAGGAGGACGATGAG[G>T]ACAGCCTGGCCGGGAAGTCGCAGGATGACACCGTGTCCCCCGCACCCGAGCCCCAGGCCG-3'
Protein context (NP_071397.3, residues 1122-1142): DDDDLEEDDE[Asp1132Tyr]SLAGKSQDDT

ClinVar aggregate classification (germline): Uncertain significance (1 of 4 stars; one submission).

Conditions:
Left ventricular noncompaction 8 (LVNC8). Identifiers: Orphanet 154, Orphanet 54260, MedGen C3809288, MONDO:0014152, OMIM 615373.

gnomAD v4.1: 1 of 1,609,406 alleles (0.000062%); highest among the groups gnomAD compares: African/African-American, 0.0013%; no homozygotes.

Submission:

Labcorp Genetics (formerly Invitae), Labcorp
Classification: Uncertain significance for Left ventricular noncompaction 8. Last evaluated: 2025-05-11. Review status: criteria provided, single submitter. Criteria: Invitae Variant Classification Sherloc (09022015). Collection method: clinical testing. Allele origin: germline.
Comment: This sequence change replaces aspartic acid, which is acidic and polar, with tyrosine, which is neutral and polar, at codon 1132 of the PRDM16 protein (p.Asp1132Tyr). This variant is not present in population databases (gnomAD no frequency). This variant has not been reported in the literature in individuals affected with PRDM16-related conditions. An algorithm developed to predict the effect of missense changes on protein structure and function (PolyPhen-2) suggests that this variant is likely to be tolerated. In summary, the available evidence is currently insufficient to determine the role of this variant in disease. Therefore, it has been classified as a Variant of Uncertain Significance.